The following is an entry in ClinVar:

ClinVar aggregate classification (germline): Pathogenic. Review status: criteria provided, multiple submitters, no conflicts (2 of 4 stars). 5 submissions from 5 submitters: Pathogenic (5). Last evaluated 2025-10-04.

Conditions:
Hereditary cancer-predisposing syndrome. Also called: Hereditary Cancer Syndrome; Neoplastic Syndromes, Hereditary; Tumor predisposition; Hereditary neoplastic syndrome. Identifiers: Orphanet 140162, MedGen C0027672, MeSH D009386, MONDO:0015356.
Hereditary nonpolyposis colorectal neoplasms. Identifiers: MedGen C0009405, MeSH D003123.
Lynch syndrome 4 (LYNCH4). Also called: Colorectal cancer, hereditary nonpolyposis, type 4; Hereditary non-polyposis colorectal cancer, type 4. Identifiers: Orphanet 144, MedGen C1838333, MONDO:0013699, OMIM 614337. Disease mechanism: loss of function.

Allele frequency attached by ClinVar (database versions not stated): gnomAD exomes below 0.00001.
gnomAD v4.1: 1 of 1,611,612 alleles (0.000062%); highest among the groups gnomAD compares: Non-Finnish European, 0.000085%; no homozygotes.

Submissions (5):

Labcorp Genetics (formerly Invitae), Labcorp
Classification: Pathogenic for Hereditary nonpolyposis colorectal neoplasms. Last evaluated: 2025-10-04. Review status: criteria provided, single submitter. Criteria: Invitae Variant Classification Sherloc (09022015). Collection method: clinical testing. Allele origin: germline.
Comment: This sequence change creates a premature translational stop signal (p.Gln160*) in the PMS2 gene. It is expected to result in an absent or disrupted protein product. Loss-of-function variants in PMS2 are known to be pathogenic (PMID: 21376568, 24362816). This variant is not present in population databases (gnomAD no frequency). This variant has not been reported in the literature in individuals affected with PMS2-related conditions. ClinVar contains an entry for this variant (Variation ID: 657559). For these reasons, this variant has been classified as Pathogenic.

Helix
Classification: Pathogenic for Lynch syndrome 4. Last evaluated: 2025-03-18. Review status: criteria provided, single submitter. Criteria: ACMG Guidelines, 2015. Collection method: clinical testing. Allele origin: germline. Inheritance: Autosomal dominant inheritance.
Comment: This variant (NM_000535.7:c.478C>T p.Gln160Ter) results in the creation of a premature stop codon in the PMS2 gene. It is predicted to result in nonsense-mediated mRNA decay or in the production of a truncated protein, leading to loss-of-function (LOF). LOF variants in this gene are known to be deleterious (PMID: 21376568, 24362816). It is present in the gnomAD population database (v4.1) at the highest allele frequency in the European (non-Finnish) subpopulation among non-founder subpopulations (1/1111500 alleles, 0.00009%). This variant has been reported in individual(s) with a personal and/or family history of PMS2-related cancers (PMID: 31992580). This variant is present in ClinVar (Accession: VCV000657559.14). In conclusion, this variant has been classified as Pathogenic.

Ambry Genetics
Classification: Pathogenic for Hereditary cancer-predisposing syndrome. Last evaluated: 2024-07-23. Review status: criteria provided, single submitter. Criteria: Ambry Variant Classification Scheme 2023. Collection method: clinical testing. Allele origin: germline.
Comment: The p.Q160* pathogenic mutation (also known as c.478C>T), located in coding exon 5 of the PMS2 gene, results from a C to T substitution at nucleotide position 478. This changes the amino acid from a glutamine to a stop codon within coding exon 5. This variant is considered to be rare based on population cohorts in the Genome Aggregation Database (gnomAD). This alteration is expected to result in loss of function by premature protein truncation or nonsense-mediated mRNA decay. As such, this alteration is interpreted as a disease-causing mutation.

Baylor Genetics
Classification: Pathogenic for Lynch syndrome 4. Last evaluated: 2024-03-21. Review status: criteria provided, single submitter. Criteria: ACMG Guidelines, 2015. Collection method: clinical testing. Allele origin: unknown.

Myriad Genetics, Inc.
Classification: Pathogenic for Lynch syndrome 4. Last evaluated: 2023-09-18. Review status: criteria provided, single submitter. Criteria: Myriad Autosomal Dominant, Autosomal Recessive and X-Linked Classification Criteria (2023). Collection method: clinical testing. Allele origin: unknown.
Comment: This variant is considered pathogenic. This variant creates a termination codon and is predicted to result in premature protein truncation.

Literature cited by the submitters: PubMed 21376568 (cited by Labcorp Genetics (formerly Invitae), Labcorp); PubMed 24362816 (cited by Labcorp Genetics (formerly Invitae), Labcorp).

NM_000535.7(PMS2):c.478C>T (p.Gln160Ter)

Gene: PMS2 (PMS1 homolog 2, mismatch repair system component; minus strand). Cytogenetic location: 7p22.1.
Variant type: single nucleotide variant.
Coding change: c.478C>T on transcript NM_000535.7 (MANE Select); coding-DNA position 478, C replaced by T.
Protein change: p.Gln160Ter; replaces glutamine 160 with a stop codon.
Molecular consequence: nonsense. On other transcripts: 5 prime UTR variant (2), non-coding transcript variant (1).
Genome position (GRCh38, 1-based): chr7:6,002,512, G>A on the plus strand (C>T on the coding strand, the complement: PMS2 is on the minus strand). VCF-style: chr7-6002512-G-A. GRCh37 (hg19) VCF-style: chr7-6042143-G-A.
Other names: c.73C>T, p.Gln25Ter (NM_001322003.2, NM_001322004.2, NM_001322005.2 and 3 more transcripts); c.478C>T, p.Gln160Ter (NM_001322006.2, NM_001322014.2); c.160C>T, p.Gln54Ter (NM_001322007.2, NM_001322008.2); c.-407C>T (NM_001322011.2, NM_001322012.2); c.169C>T, p.Gln57Ter (NM_001322015.2); short protein forms Q25*, Q160*, Q54*, Q57*.
Identifiers: ClinVar variation 657559 (VCV000657559.16), dbSNP rs36038802, ClinGen allele CA366744275.